The following is an entry in ClinVar:

NM_212482.4(FN1):c.641C>T (p.Thr214Ile)

Gene: FN1 (fibronectin 1; minus strand). Cytogenetic location: 2q35.
Variant type: single nucleotide variant.
Coding change: c.641C>T on transcript NM_212482.4 (MANE Select); coding-DNA position 641, C replaced by T.
Protein change: p.Thr214Ile; replaces threonine 214 with isoleucine.
Molecular consequence: missense variant.
Genome position (GRCh38, 1-based): chr2:215,430,759, G>A on the plus strand (C>T on the coding strand, the complement: FN1 is on the minus strand). VCF-style: chr2-215430759-G-A. GRCh37 (hg19) VCF-style: chr2-216295482-G-A.
Other names: c.641C>T, p.Thr214Ile (NM_001306129.2, NM_001306130.2, NM_001306131.2 and 14 more transcripts); short protein forms T214I.
Identifiers: ClinVar variation 4882019 (VCV004882019.2).

ClinVar aggregate classification (germline): Uncertain significance (1 of 4 stars; one submission).

gnomAD v4.1: 4 of 1,614,126 alleles (0.00025%); highest among the groups gnomAD compares: African/African-American, 0.0013%; no homozygotes.

Submission:

Dasa
Classification: Uncertain significance. Last evaluated: 2026-01-30. Review status: criteria provided, single submitter. Criteria: DASA Assertion Criteria. Collection method: clinical testing. Allele origin: germline.
Comment: NM_212482.4(FN1):c.641C>T (p.Thr214Ile) is a missense variant that results in the substitution of threonine with isoleucine. This variant is rare in population databases. The currently available literature and clinical evidence are not sufficient to establish a definitive association between this variant and the reported condition. Therefore, this variant is classified as a variant of uncertain significance.